The following is an entry in ClinVar:

NM_001371279.1(REEP1):c.105+214A>G

Gene: REEP1 (receptor accessory protein 1; minus strand). Cytogenetic location: 2p11.2.
Variant type: single nucleotide variant.
Coding change: c.105+214A>G on transcript NM_001371279.1 (MANE Select); 214 bases into the intron after coding-DNA position 105, A replaced by G.
Molecular consequence: intron variant.
Genome position (GRCh38, 1-based): chr2:86,281,956, T>C on the plus strand (A>G on the coding strand, the complement: REEP1 is on the minus strand). VCF-style: chr2-86281956-T-C. GRCh37 (hg19) VCF-style: chr2-86509079-T-C.
Other names: NC_000002.11:g.86509079T>C; c.126+214A>G (NM_001164730.2); c.25-17915A>G (NM_001164731.2); c.105+214A>G (NM_001164732.2, NM_001371280.1, NM_022912.3).
Identifiers: ClinVar variation 669110 (VCV000669110.2), dbSNP rs3821016, ClinGen allele CA11120423.

ClinVar aggregate classification (germline): Benign (1 of 4 stars; one submission).

Allele frequency attached by ClinVar (database versions not stated): gnomAD 0.86745 and 0.87165; TOPMed 0.86887; 1000 Genomes Project 30x 0.87196; 1000 Genomes Project 0.87500.
gnomAD v4.1: 132,772 of 152,214 alleles (87%); highest among the groups gnomAD compares: East Asian, 96%; 58,342 homozygotes.

Submissions (4):

GeneDx
Classification: Benign. Last evaluated: 2018-06-14. Review status: criteria provided, single submitter. Criteria: GeneDx Variant Classification (06012015). Collection method: clinical testing. Allele origin: germline. Affected: yes.
Comment: This variant is considered likely benign or benign based on one or more of the following criteria: it is a conservative change, it occurs at a poorly conserved position in the protein, it is predicted to be benign by multiple in silico algorithms, and/or has population frequency not consistent with disease.

Dr. Peter K. Rogan Lab, Western University
No classification provided (evidence only). Condition: Familial cancer of breast. Review status: no classification provided. Collection method: in vitro. Allele origin: not applicable. Functional consequence: retained intron. Not counted in ClinVar's aggregate classification.

Dr. Peter K. Rogan Lab, Western University
No classification provided (evidence only). Condition: Hepatocellular carcinoma. Review status: no classification provided. Collection method: in vitro. Allele origin: not applicable. Functional consequence: retained intron. Not counted in ClinVar's aggregate classification.

Dr. Peter K. Rogan Lab, Western University
No classification provided (evidence only). Condition: Hepatocellular carcinoma. Review status: no classification provided. Collection method: in vitro. Allele origin: not applicable. Functional consequence: retained intron. Not counted in ClinVar's aggregate classification.